The following is an entry in ClinVar:

NM_020884.7(MYH7B):c.4232T>G (p.Val1411Gly)

Gene: MYH7B (myosin heavy chain 7B; plus strand). Cytogenetic location: 20q11.22.
Variant type: single nucleotide variant.
Coding change: c.4232T>G on transcript NM_020884.7 (MANE Select); coding-DNA position 4232, T replaced by G.
Protein change: p.Val1411Gly; replaces valine 1411 with glycine.
Molecular consequence: missense variant.
Genome position (GRCh38, 1-based): chr20:34,999,097, T>G. VCF-style: chr20-34999097-T-G. GRCh37 (hg19) VCF-style: chr20-33586900-T-G.
Other names: short protein forms V1411G.
Identifiers: ClinVar variation 3604292 (VCV003604292.2).

ClinVar aggregate classification (germline): Uncertain significance (1 of 4 stars; one submission).

gnomAD v4.1: 99 of 1,612,794 alleles (0.0061%); highest among the groups gnomAD compares: South Asian, 0.1%; 1 homozygote.

Submission:

Labcorp Genetics (formerly Invitae), Labcorp
Classification: Uncertain significance. Last evaluated: 2025-08-18. Review status: criteria provided, single submitter. Criteria: Invitae Variant Classification Sherloc (09022015). Collection method: clinical testing. Allele origin: germline.
Comment: This sequence change replaces valine, which is neutral and non-polar, with glycine, which is neutral and non-polar, at codon 1453 of the MYH7B protein (p.Val1453Gly). This variant is present in population databases (rs769544886, gnomAD 0.09%), and has an allele count higher than expected for a pathogenic variant. This variant has not been reported in the literature in individuals affected with MYH7B-related conditions. ClinVar contains an entry for this variant (Variation ID: 3604292). Invitae Evidence Modeling of protein sequence and biophysical properties (such as structural, functional, and spatial information, amino acid conservation, physicochemical variation, residue mobility, and thermodynamic stability) has been performed for this missense variant. However, the output from this modeling did not meet the statistical confidence thresholds required to predict the impact of this variant on MYH7B protein function. In summary, the available evidence is currently insufficient to determine the role of this variant in disease. Therefore, it has been classified as a Variant of Uncertain Significance.